The following is an entry in ClinVar:

ClinVar aggregate classification (germline): Likely pathogenic (1 of 4 stars; one submission).

Conditions:
EBF3-related disorder. Identifiers: MedGen CN239924.

Submission:

PreventionGenetics, part of Exact Sciences
Classification: Likely pathogenic for EBF3-related condition. Last evaluated: 2023-09-15. Review status: criteria provided, single submitter. Criteria: ACMG Guidelines, 2015. Collection method: clinical testing. Allele origin: germline.
Comment: The EBF3 c.695T>A variant is predicted to result in the amino acid substitution p.Met232Lys. To our knowledge, this variant has not been reported in the literature or in a large population database, indicating this variant is rare. This variant is interpreted as likely pathogenic.

NM_001375380.1(EBF3):c.695T>A (p.Met232Lys)

Gene: EBF3 (EBF transcription factor 3; minus strand). Cytogenetic location: 10q26.3.
Variant type: single nucleotide variant.
Coding change: c.695T>A on transcript NM_001375380.1 (MANE Select); coding-DNA position 695, T replaced by A.
Protein change: p.Met232Lys; replaces methionine 232 with lysine.
Molecular consequence: missense variant.
Genome position (GRCh38, 1-based): chr10:129,873,538, A>T on the plus strand (T>A on the coding strand, the complement: EBF3 is on the minus strand). VCF-style: chr10-129873538-A-T. GRCh37 (hg19) VCF-style: chr10-131671802-A-T.
Other names: c.695T>A, p.Met232Lys (NM_001005463.3, NM_001375379.1, NM_001375389.1 and 3 more transcripts); short protein forms M232K.
Identifiers: ClinVar variation 2631716 (VCV002631716.1), dbSNP rs2494042487, ClinGen allele CA378909776.